The following is an entry in ClinVar:

NM_022436.3(ABCG5):c.833C>A (p.Ala278Glu)

Genes: ABCG5 (ATP binding cassette subfamily G member 5; minus strand), DYNC2LI1 (dynein cytoplasmic 2 light intermediate chain 1; plus strand). Cytogenetic location: 2p21.
Variant type: single nucleotide variant.
Coding change: c.833C>A on transcript NM_022436.3 (MANE Select); coding-DNA position 833, C replaced by A.
Protein change: p.Ala278Glu; replaces alanine 278 with glutamic acid.
Molecular consequence: missense variant. On other transcripts: intron variant (2).
Genome position (GRCh38, 1-based): chr2:43,824,960, G>T on the plus strand (C>A on the coding strand, the complement: ABCG5 is on the minus strand). VCF-style: chr2-43824960-G-T. GRCh37 (hg19) VCF-style: chr2-44052099-G-T.
Other names: c.833C>A (NM_022436.2); c.*16-2426G>T (NM_001348913.2, NM_001348912.2); short protein forms A278E.
Identifiers: ClinVar variation 2438776 (VCV002438776.5), dbSNP rs566982836, ClinGen allele CA346665796.

ClinVar aggregate classification (germline): Uncertain significance. Review status: criteria provided, multiple submitters, no conflicts (2 of 4 stars). 2 submissions from 2 submitters: Uncertain significance (2). Last evaluated 2023-03-03.

Conditions:
Cardiovascular phenotype. Identifiers: MedGen CN230736.
Sitosterolemia 2. Identifiers: MedGen C5231453, MONDO:0020748, OMIM 618666.

gnomAD v4.1: 2 of 1,614,002 alleles (0.00012%); highest among the groups gnomAD compares: Non-Finnish European, 0.00017%; no homozygotes.

Submissions (2):

Ambry Genetics
Classification: Uncertain significance for Cardiovascular phenotype. Last evaluated: 2023-03-03. Review status: criteria provided, single submitter. Criteria: Ambry Variant Classification Scheme 2023. Collection method: clinical testing. Allele origin: germline.
Comment: The p.A278E variant (also known as c.833C>A), located in coding exon 7 of the ABCG5 gene, results from a C to A substitution at nucleotide position 833. The alanine at codon 278 is replaced by glutamic acid, an amino acid with dissimilar properties. This amino acid position is conserved. In addition, this alteration is predicted to be tolerated by in silico analysis. Since supporting evidence is limited at this time, the clinical significance of this alteration remains unclear.

Revvity Omics, Revvity
Classification: Uncertain significance for Sitosterolemia 2. Last evaluated: 2022-07-25. Review status: criteria provided, single submitter. Criteria: ACMG Guidelines, 2015. Collection method: clinical testing. Allele origin: germline.